The following is an entry in ClinVar:

NM_000535.7(PMS2):c.2274T>A (p.Asn758Lys)

Gene: PMS2 (PMS1 homolog 2, mismatch repair system component; minus strand). Cytogenetic location: 7p22.1.
Variant type: single nucleotide variant.
Coding change: c.2274T>A on transcript NM_000535.7 (MANE Select); coding-DNA position 2274, T replaced by A.
Protein change: p.Asn758Lys; replaces asparagine 758 with lysine.
Molecular consequence: missense variant. On other transcripts: non-coding transcript variant (1), intron variant (2).
Genome position (GRCh38, 1-based): chr7:5,978,597, A>T on the plus strand (T>A on the coding strand, the complement: PMS2 is on the minus strand). VCF-style: chr7-5978597-A-T. GRCh37 (hg19) VCF-style: chr7-6018228-A-T.
Other names: c.2076T>A, p.Asn692Lys (NM_001406873.1); c.2106T>A, p.Asn702Lys (NM_001406874.1, NM_001406872.1); c.1965T>A, p.Asn655Lys (NM_001406875.1, NM_001406877.1, NM_001406878.1 and 5 more transcripts); c.1956T>A, p.Asn652Lys (NM_001406876.1, NM_001322007.2, NM_001322008.2 and 1 more transcripts); c.1800T>A, p.Asn600Lys (NM_001406901.1, NM_001406902.1); c.1788T>A, p.Asn596Lys (NM_001406903.1); c.1761T>A, p.Asn587Lys (NM_001406904.1, NM_001406905.1); c.1713T>A, p.Asn571Lys (NM_001406906.1, NM_001406907.1, NM_001322010.2); and 16 more; short protein forms N357K, N501K, N596K, N603K, N646K, N706K, N722K, N567K.
Identifiers: ClinVar variation 3935116 (VCV003935116.1).

ClinVar aggregate classification (germline): Uncertain significance (1 of 4 stars; one submission).

Conditions:
Hereditary cancer-predisposing syndrome. Also called: Tumor predisposition; Hereditary neoplastic syndrome; Hereditary Cancer Syndrome; Neoplastic Syndromes, Hereditary. Identifiers: Orphanet 140162, MedGen C0027672, MeSH D009386, MONDO:0015356.

Submission:

Ambry Genetics
Classification: Uncertain significance for Hereditary cancer-predisposing syndrome. Last evaluated: 2025-04-03. Review status: criteria provided, single submitter. Criteria: Ambry Variant Classification Scheme 2023. Collection method: clinical testing. Allele origin: germline.
Comment: The p.N758K variant (also known as c.2274T>A), located in coding exon 13 of the PMS2 gene, results from a T to A substitution at nucleotide position 2274. The asparagine at codon 758 is replaced by lysine, an amino acid with similar properties. This amino acid position is conserved. In addition, this alteration is predicted to be tolerated by in silico analysis. Based on the available evidence, the clinical significance of this variant remains unclear.